The following is an entry in ClinVar:

ClinVar aggregate classification (germline): Uncertain significance (1 of 4 stars; one submission).

Conditions:
Hereditary cancer-predisposing syndrome. Also called: Neoplastic Syndromes, Hereditary; Tumor predisposition; Hereditary neoplastic syndrome; Hereditary Cancer Syndrome. Identifiers: Orphanet 140162, MedGen C0027672, MeSH D009386, MONDO:0015356.

Submission:

Ambry Genetics
Classification: Uncertain significance for Hereditary cancer-predisposing syndrome. Last evaluated: 2026-08-26. Review status: criteria provided, single submitter. Criteria: Ambry Variant Classification Scheme 2023. Collection method: clinical testing. Allele origin: germline.
Comment: The p.A4V variant (also known as c.11C>T), located in coding exon 1 of the NF2 gene, results from a C to T substitution at nucleotide position 11. The alanine at codon 4 is replaced by valine, an amino acid with similar properties. This amino acid position is conserved. In addition, the in silico prediction for this alteration is inconclusive. Based on the available evidence, the clinical significance of this variant remains unclear.

NM_000268.4(NF2):c.11C>T (p.Ala4Val)

Gene: NF2 (NF2, moesin-ezrin-radixin like (MERLIN) tumor suppressor; plus strand). Cytogenetic location: 22q12.2.
Variant type: single nucleotide variant.
Coding change: c.11C>T on transcript NM_000268.4 (MANE Select); coding-DNA position 11, C replaced by T.
Protein change: p.Ala4Val; replaces alanine 4 with valine.
Molecular consequence: missense variant. On other transcripts: 5 prime UTR variant (4), non-coding transcript variant (1).
Genome position (GRCh38, 1-based): chr22:29,604,009, C>T. VCF-style: chr22-29604009-C-T. GRCh37 (hg19) VCF-style: chr22-29999998-C-T.
Other names: c.-220C>T (NM_001407053.1, NM_001407056.1); c.11C>T, p.Ala4Val (NM_001407054.1, NM_001407055.1, NM_001407057.1 and 15 more transcripts); c.-630C>T (NM_001407065.1); c.-246C>T (NM_001407067.1); short protein forms A4V.
Identifiers: ClinVar variation 5025717 (VCV005025717.1).
Genomic context (GRCh38, chr22:29,604,009, plus strand): 5'-TCAGAGTGCAGGCCGTGGGGCGCGAGGGTCCCGGGCCTGAGCCCCGCGCCATGGCCGGGG[C>T]CATCGCTTCCCGCATGAGCTTCAGCTCTCTCAAGAGGAAGCAACCCAAGACGTTCACCGT-3'
Protein context (NP_000259.1, residues 1-14): MAG[Ala4Val]IASRMSFSSL